The following is an entry in ClinVar:

NM_007294.4(BRCA1):c.1A>G (p.Met1Val)

Gene: BRCA1 (BRCA1 DNA repair associated; minus strand). Cytogenetic location: 17q21.31.
Variant type: single nucleotide variant.
Coding change: c.1A>G on transcript NM_007294.4 (MANE Select); coding-DNA position 1, A replaced by G.
Protein change: p.Met1Val; changes the start codon (methionine 1).
Molecular consequence: missense variant, initiator codon variant. On other transcripts: 5 prime UTR variant (1), non-coding transcript variant (1).
Genome position (GRCh38, 1-based): chr17:43,124,096, T>C on the plus strand (A>G on the coding strand, the complement: BRCA1 is on the minus strand). VCF-style: chr17-43124096-T-C. GRCh37 (hg19) VCF-style: chr17-41276113-T-C.
Other names: p.M1V:ATG>GTG; 120A>G; c.1A>G, p.Met1Val (NM_001408439.1, NM_001408440.1, NM_001408441.1 and 193 more transcripts); c.-260A>G (NM_001408452.1, NM_001408462.1, NM_001408463.1 and 22 more transcripts); c.-87A>G (NM_001408454.1, NM_001408459.1, NM_001408460.1 and 23 more transcripts); c.-257A>G (NM_001408455.1, NM_001408456.1, NM_001408468.1 and 11 more transcripts); c.-261A>G (NM_001408465.1, NM_001407695.1); c.-188A>G (NM_001408478.1, NM_001408479.1, NM_001408480.1 and 46 more transcripts); and 10 more; short protein forms M1V.
Identifiers: ClinVar variation 54432 (VCV000054432.63), dbSNP rs80357287, ClinGen allele CA001332.
Genomic context (GRCh38, chr17:43,124,096, plus strand): 5'-TTTTCTGCATAGCATTAATGACATTTTGTACTTCTTCAACGCGAAGAGCAGATAAATCCA[T>C]TTCTTTCTGTTCCAATGAACTTTAACACATTAGAAAAACATATATATATATCTTTTTAAA-3'
Protein context (NP_009225.1, residues 1-11): [Met1Val]DLSALRVEEV

ClinVar aggregate classification (germline): Pathogenic/Likely pathogenic. Review status: criteria provided, multiple submitters, no conflicts (2 of 4 stars). 24 submissions from 24 submitters: Pathogenic (17); Likely pathogenic (1). 6 of the submissions do not count toward it. Last evaluated 2026-08-01.

Conditions:
Inherited breast cancer and ovarian cancer.
Hereditary cancer-predisposing syndrome. Also called: Neoplastic Syndromes, Hereditary; Tumor predisposition; Hereditary Cancer Syndrome; Hereditary neoplastic syndrome. Identifiers: Orphanet 140162, MedGen C0027672, MeSH D009386, MONDO:0015356.
Breast neoplasm. Also called: Neoplasm of breast; Breast tumor; Breast Neoplasms; Neoplasm of the breast. Identifiers: MedGen C1458155, MeSH D001943, MONDO:0021100, HP:0100013. Disease mechanism: gain of function.
Hereditary breast ovarian cancer syndrome. Also called: Hereditary breast and/or ovarian cancer syndrome; Hereditary breast and ovarian cancer syndrome; Hereditary breast and ovarian cancer; Hereditary breast and ovarian cancer syndrome (HBOC); Breast and ovarian cancer; BRCA1- and BRCA2-Associated Hereditary Breast and Ovarian Cancer. Identifiers: Orphanet 145, MedGen C0677776, MeSH D061325, MONDO:0003582. Disease mechanism: loss of function.
Breast-ovarian cancer, familial, susceptibility to, 1 (BROVCA1). Also called: OVARIAN CANCER, SUSCEPTIBILITY TO; BRCA1 Hereditary Breast and Ovarian Cancer. Identifiers: Orphanet 145, MedGen C2676676, MONDO:0011450, OMIM 604370. Disease mechanism: loss of function.
Familial cancer of breast. Also called: Hereditary breast cancer; BREAST CANCER, FAMILIAL; hereditary breast carcinoma. Identifiers: Orphanet 227535, MedGen C0346153, MONDO:0016419, OMIM 114480. Disease mechanism: loss of function.
Malignant tumor of breast. Also called: Malignant breast neoplasm; Cancer breast. Identifiers: MedGen C0006142, MONDO:0007254. Disease mechanism: loss of function.

Allele frequency attached by ClinVar (database versions not stated): gnomAD exomes below 0.00001.

Submissions 1 to 8 of 25:

CeGaT Center for Human Genetics Tuebingen
Classification: Pathogenic. Last evaluated: 2026-08-01. Review status: criteria provided, single submitter. Criteria: CeGaT Center For Human Genetics Tuebingen Variant Classification Criteria Version 2. Collection method: clinical testing. Allele origin: germline. Affected: yes. Observed: 2 variant alleles.
Comment: BRCA1: PS4, PM2, PS1:Moderate, PVS1:Moderate

Genomics and Molecular Medicine Service, East Genomic Laboratory Hub, NHS Genomic Medicine Service
Classification: Pathogenic for Inherited breast cancer and ovarian cancer. Last evaluated: 2026-06-01. Review status: criteria provided, single submitter. Criteria: ACGS Best Practice Guidelines for Variant Classification in Rare Disease 2020. Collection method: clinical testing. Allele origin: germline. Affected: yes.
Comment: PVS1,PS3,PS4,PM2_Supporting,PP4_Strong

Labcorp Genetics (formerly Invitae), Labcorp
Classification: Pathogenic for Hereditary breast ovarian cancer syndrome. Last evaluated: 2025-11-09. Review status: criteria provided, single submitter. Criteria: Invitae Variant Classification Sherloc (09022015). Collection method: clinical testing. Allele origin: germline.
Comment: This sequence change affects the initiator codon of the BRCA1 mRNA. This change may impact translation initiation or efficiency. The next in-frame methionine is located at codon 18. This variant is not present in population databases (gnomAD no frequency). Disruption of the initiator codon has been observed in individual(s) with breast and/or ovarian cancer (PMID: 11802209, 12827452, 21120943, 22006311, 24504028). This variant is also known as Met1Val and 120A>G. ClinVar contains an entry for this variant (Variation ID: 54432). Algorithms developed to predict the effect of variants on gene product structure and function are not available or were not evaluated for this variant. Experimental studies have shown that disruption of the initiator codon affects BRCA1 function (PMID: 21922593, 30209399). For these reasons, this variant has been classified as Pathogenic.

Ambry Genetics
Classification: Pathogenic for Hereditary cancer-predisposing syndrome. Last evaluated: 2025-09-17. Review status: criteria provided, single submitter. Criteria: Ambry Variant Classification Scheme 2023. Collection method: clinical testing. Allele origin: germline.
Comment: The p.M1? pathogenic mutation (also known as c.1A>G), located in coding exon 1 of the BRCA1 gene, results from an A to G substitution at nucleotide position 1. This alters the methionine residue at the initiation codon (ATG). These RING domain residues comprise a significant portion of the N-helix of the four helix bundle that is crucial for BARD1/BRCA1 dimerization which, in turn, is responsible for their mutual stability, appropriate nuclear localization, and ubiquitin ligase activity (Brzovic PS et al. Nat. Struct. Biol. 2001 Oct;8(10): 833-7; Brzovic PS et al. J. Biol. Chem. 2001 Nov;276(44):41399-406; Brzovic PS et al. Proc. Natl. Acad. Sci. U.S.A. 2003 May;100(10):5646-51). One functional study found that this nucleotide substitution is deleterious in a high throughput genome editing haploid cell survival assay (Findlay GM et al. Nature. 2018 Oct;562(7726):217-222). Of note, this alteration is also designated as 120A>G and M1V in published literature. Sequence variations that modify the initiation codon are expected to result in either loss of translation initiation, N-terminal truncation, or cause a shift in the mRNA reading frame. Based on the supporting evidence, this variant is interpreted as a disease-causing mutation.

NHS Central & South Genomic Laboratory Hub
Classification: Pathogenic for Inherited breast cancer and ovarian cancer. Last evaluated: 2025-04-09. Review status: criteria provided, single submitter. Criteria: ACMG Guidelines, 2015. Collection method: clinical testing. Allele origin: germline. Affected: yes.

Molecular Pathology, Peter Maccallum Cancer Centre
Classification: Pathogenic for Breast-ovarian cancer, familial, susceptibility to, 1. Last evaluated: 2025-03-07. Review status: criteria provided, single submitter. Criteria: ACMG Guidelines, 2015. Collection method: clinical testing. Allele origin: germline. Inheritance: Autosomal dominant inheritance.

All of Us Research Program, National Institutes of Health
Classification: Pathogenic for Breast-ovarian cancer, familial, susceptibility to, 1. Last evaluated: 2023-10-02. Review status: criteria provided, single submitter. Criteria: ACMG Guidelines, 2015. Collection method: clinical testing. Allele origin: germline. Inheritance: Autosomal dominant inheritance. Observed: 1 variant allele, 1 heterozygote.
Comment: This variant disrupts the translation initiation codon of the BRCA1 protein and is expected to result in an absent or non-functional protein product. A functional study reports that this variant impacts BRCA1 function in a haploid human cell proliferation assay (PMID: 30209399). This variant has been reported in at least seven individuals affected with breast cancer (PMID: 12827452, 16912212, 24884479, 33471991; Leiden Open Variation Database DB-ID BRCA1_001519), ovarian cancer (PMID: 24504028) and fallopian tube cancer (PMID: 22006311). A multifactorial analysis reported segregation and tumor pathology likelihood ratios for pathogenicity at 1.2716 and 2.2261, respectively (PMID: 31131967). This variant has not been identified in the general population by the Genome Aggregation Database (gnomAD). Loss of BRCA1 function is a known mechanism of disease. Based on the available evidence, this variant is classified as Pathogenic.

This study involves interpretation of variants in research participants for the purpose of population health screening. Participant phenotype was not available at the time of variant classification. Additional details can be found in publication PMID: 35346344, PMCID: PMC8962531

Color Diagnostics, LLC DBA Color Health
Classification: Pathogenic for Hereditary cancer-predisposing syndrome. Last evaluated: 2023-08-14. Review status: criteria provided, single submitter. Criteria: ACMG Guidelines, 2015. Collection method: clinical testing. Allele origin: germline.
Comment: This variant disrupts the translation initiation codon of the BRCA1 protein and is expected to result in an absent or non-functional protein product. A functional study reports that this variant impacts BRCA1 function in a haploid human cell proliferation assay (PMID: 30209399). This variant has been reported in at least seven individuals affected with breast cancer (PMID: 12827452, 16912212, 24884479, 33471991; Leiden Open Variation Database DB-ID BRCA1_001519), ovarian cancer (PMID: 24504028) and fallopian tube cancer (PMID: 22006311). A multifactorial analysis reported segregation and tumor pathology likelihood ratios for pathogenicity at 1.2716 and 2.2261, respectively (PMID: 31131967). This variant has not been identified in the general population by the Genome Aggregation Database (gnomAD). Loss of BRCA1 function is a known mechanism of disease. Based on the available evidence, this variant is classified as Pathogenic.